The following is an entry in ClinVar:

NM_000156.6(GAMT):c.493G>A (p.Val165Ile)

Gene: GAMT (guanidinoacetate N-methyltransferase; minus strand). Cytogenetic location: 19p13.3.
Variant type: single nucleotide variant.
Coding change: c.493G>A on transcript NM_000156.6 (MANE Select); coding-DNA position 493, G replaced by A.
Protein change: p.Val165Ile; replaces valine 165 with isoleucine.
Molecular consequence: missense variant.
Genome position (GRCh38, 1-based): chr19:1,398,993, C>T on the plus strand (G>A on the coding strand, the complement: GAMT is on the minus strand). VCF-style: chr19-1398993-C-T. GRCh37 (hg19) VCF-style: chr19-1398992-C-T.
Other names: c.493G>A, p.Val165Ile (NM_138924.3); short protein forms V165I.
Identifiers: ClinVar variation 1022870 (VCV001022870.7), dbSNP rs1050914, ClinGen allele CA9043625.

ClinVar aggregate classification (germline): Uncertain significance. Review status: criteria provided, multiple submitters, no conflicts (2 of 4 stars). 4 submissions from 4 submitters: Uncertain significance (3). 1 of the submissions does not count toward it. Last evaluated 2024-12-02.

Conditions:
Cerebral creatine deficiency syndrome. Also called: Creatine deficiency syndromes. Identifiers: Orphanet 79172, MedGen C5244016, MONDO:0000456.
Deficiency of guanidinoacetate methyltransferase (CCDS2). Also called: GAMT DEFICIENCY; CEREBRAL CREATINE DEFICIENCY SYNDROME 2; Guanidinoacetate Methyltransferase (GAMT) Deficiency. Identifiers: Orphanet 382, MedGen C0574080, MONDO:0012999, OMIM 612736.

Allele frequency attached by ClinVar (database versions not stated): TOPMed 0.00002; ExAC 0.00003; gnomAD 0.00002; gnomAD exomes 0.00002.
gnomAD v4.1: 35 of 1,613,314 alleles (0.0022%); highest among the groups gnomAD compares: East Asian, 0.0045%; no homozygotes.

Submissions (4):

Labcorp Genetics (formerly Invitae), Labcorp
Classification: Uncertain significance for Cerebral creatine deficiency syndrome. Last evaluated: 2024-12-02. Review status: criteria provided, single submitter. Criteria: Invitae Variant Classification Sherloc (09022015). Collection method: clinical testing. Allele origin: germline.
Comment: This sequence change replaces valine, which is neutral and non-polar, with isoleucine, which is neutral and non-polar, at codon 165 of the GAMT protein (p.Val165Ile). This variant is present in population databases (rs1050914, gnomAD 0.01%). This variant has not been reported in the literature in individuals affected with GAMT-related conditions. ClinVar contains an entry for this variant (Variation ID: 1022870). Invitae Evidence Modeling of protein sequence and biophysical properties (such as structural, functional, and spatial information, amino acid conservation, physicochemical variation, residue mobility, and thermodynamic stability) indicates that this missense variant is not expected to disrupt GAMT protein function with a negative predictive value of 95%. In summary, the available evidence is currently insufficient to determine the role of this variant in disease. Therefore, it has been classified as a Variant of Uncertain Significance.

Fulgent Genetics
Classification: Uncertain significance for Deficiency of guanidinoacetate methyltransferase. Last evaluated: 2022-02-09. Review status: criteria provided, single submitter. Criteria: ACMG Guidelines, 2015. Collection method: clinical testing. Allele origin: unknown.

GeneDx
Classification: Uncertain significance. Last evaluated: 2021-07-02. Review status: criteria provided, single submitter. Criteria: GeneDx Variant Classification Process June 2021. Collection method: clinical testing. Allele origin: germline. Affected: yes.
Comment: Not observed at significant frequency in large population cohorts (Lek et al., 2016); In silico analysis supports that this missense variant does not alter protein structure/function; Has not been previously published as pathogenic or benign to our knowledge; This variant is associated with the following publications: (PMID: 27535533)

Natera, Inc.
Classification: Uncertain significance for Guanidinoacetate methyltransferase deficiency. Last evaluated: 2020-01-17. Review status: no assertion criteria provided. Collection method: clinical testing. Allele origin: germline. Not counted in ClinVar's aggregate classification.